The following is an entry in ClinVar:

ClinVar aggregate classification (germline): Uncertain significance (1 of 4 stars; one submission).

Allele frequency attached by ClinVar (database versions not stated): ExAC 0.00001.

Submission:

Labcorp Genetics (formerly Invitae), Labcorp
Classification: Uncertain significance. Last evaluated: 2022-05-22. Review status: criteria provided, single submitter. Criteria: Invitae Variant Classification Sherloc (09022015). Collection method: clinical testing. Allele origin: germline.
Comment: This sequence change replaces glycine, which is neutral and non-polar, with cysteine, which is neutral and slightly polar, at codon 108 of the NDUFV1 protein (p.Gly108Cys). This variant is present in population databases (rs767242622, gnomAD 0.004%). This variant has not been reported in the literature in individuals affected with NDUFV1-related conditions. Advanced modeling of protein sequence and biophysical properties (such as structural, functional, and spatial information, amino acid conservation, physicochemical variation, residue mobility, and thermodynamic stability) performed at Invitae indicates that this missense variant is expected to disrupt NDUFV1 protein function. In summary, the available evidence is currently insufficient to determine the role of this variant in disease. Therefore, it has been classified as a Variant of Uncertain Significance.

NM_007103.4(NDUFV1):c.322G>T (p.Gly108Cys)

Gene: NDUFV1 (NADH:ubiquinone oxidoreductase core subunit V1; plus strand). Cytogenetic location: 11q13.2.
Variant type: single nucleotide variant.
Coding change: c.322G>T on transcript NM_007103.4 (MANE Select); coding-DNA position 322, G replaced by T.
Protein change: p.Gly108Cys; replaces glycine 108 with cysteine.
Molecular consequence: missense variant.
Genome position (GRCh38, 1-based): chr11:67,608,718, G>T. VCF-style: chr11-67608718-G-T. GRCh37 (hg19) VCF-style: chr11-67376189-G-T.
Other names: c.295G>T, p.Gly99Cys (NM_001166102.2); short protein forms G108C, G99C.
Identifiers: ClinVar variation 2413784 (VCV002413784.3), dbSNP rs767242622, ClinGen allele CA6143130.